The following is an entry in ClinVar:

ClinVar aggregate classification (germline): Benign/Likely benign. Review status: criteria provided, multiple submitters, no conflicts (2 of 4 stars). 4 submissions from 4 submitters: Benign (1); Likely benign (3). Last evaluated 2024-05-28.

Conditions:
Hereditary cancer-predisposing syndrome. Also called: Hereditary neoplastic syndrome; Neoplastic Syndromes, Hereditary; Tumor predisposition; Hereditary Cancer Syndrome. Identifiers: Orphanet 140162, MedGen C0027672, MeSH D009386, MONDO:0015356.
Familial adenomatous polyposis 1 (FAP1). Also called: POLYPOSIS, ADENOMATOUS INTESTINAL; FAMILIAL ADENOMATOUS POLYPOSIS 1, ATTENUATED. Identifiers: MedGen C2713442, MONDO:0021056, OMIM 175100. Disease mechanism: loss of function.

Allele frequency attached by ClinVar (database versions not stated): gnomAD exomes below 0.00001.
gnomAD v4.1: 1 of 1,614,154 alleles (0.000062%); highest among the groups gnomAD compares: Middle Eastern, 0.016%; no homozygotes.

Submissions (4):

Labcorp Genetics (formerly Invitae), Labcorp
Classification: Likely benign for Familial adenomatous polyposis 1. Last evaluated: 2024-05-28. Review status: criteria provided, single submitter. Criteria: Invitae Variant Classification Sherloc (09022015). Collection method: clinical testing. Allele origin: germline.

Myriad Genetics, Inc.
Classification: Benign for Familial adenomatous polyposis 1. Last evaluated: 2024-03-28. Review status: criteria provided, single submitter. Criteria: Myriad Autosomal Dominant, Autosomal Recessive and X-Linked Classification Criteria (2023). Collection method: clinical testing. Allele origin: unknown.
Comment: This variant is considered benign. This variant is a silent/synonymous amino acid change and it is not expected to impact splicing.

Ambry Genetics
Classification: Likely benign for Hereditary cancer-predisposing syndrome. Last evaluated: 2023-07-15. Review status: criteria provided, single submitter. Criteria: Ambry Variant Classification Scheme 2023. Collection method: clinical testing. Allele origin: germline.

Color Diagnostics, LLC DBA Color Health
Classification: Likely benign for Hereditary cancer-predisposing syndrome. Last evaluated: 2023-03-15. Review status: criteria provided, single submitter. Criteria: ACMG Guidelines, 2015. Collection method: clinical testing. Allele origin: germline.

NM_000038.6(APC):c.4941A>C (p.Thr1647=)

Gene: APC (APC regulator of Wnt signaling pathway; plus strand). Cytogenetic location: 5q22.2.
Variant type: single nucleotide variant.
Coding change: c.4941A>C on transcript NM_000038.6 (MANE Select); coding-DNA position 4941, A replaced by C.
Protein change: p.Thr1647=; no amino-acid change (threonine 1647 retained).
Molecular consequence: synonymous variant.
Genome position (GRCh38, 1-based): chr5:112,840,535, A>C. VCF-style: chr5-112840535-A-C. GRCh37 (hg19) VCF-style: chr5-112176232-A-C.
Other names: c.4941A>C, p.Thr1647= (NM_001127510.3, NM_001354895.2); c.4887A>C, p.Thr1629= (NM_001127511.3); c.4995A>C, p.Thr1665= (NM_001354896.2); c.4971A>C, p.Thr1657= (NM_001354897.2); c.4866A>C, p.Thr1622= (NM_001354898.2); c.4857A>C, p.Thr1619= (NM_001354899.2); c.4818A>C, p.Thr1606= (NM_001354900.2); c.4764A>C, p.Thr1588= (NM_001354901.2); and 5 more.
Identifiers: ClinVar variation 469985 (VCV000469985.12), dbSNP rs876660116, ClinGen allele CA446208708.